The following is an entry in ClinVar:

ClinVar aggregate classification (germline): Likely pathogenic (1 of 4 stars; one submission).

Conditions:
Renal coloboma syndrome (PAPRS). Also called: OPTIC COLOBOMA, VESICOURETERAL REFLUX, AND RENAL ANOMALIES; OPTIC NERVE COLOBOMA WITH RENAL DISEASE; RENAL-COLOBOMA SYNDROME WITH MACULAR ABNORMALITIES; CONGENITAL ANOMALIES OF THE KIDNEY AND URINARY TRACT WITH OR WITHOUT OCULAR ABNORMALITIES; CAKUT WITH OR WITHOUT OCULAR ABNORMALITIES; PAPILLORENAL SYNDROME WITH MILD OCULAR ABNORMALITIES. Identifiers: Orphanet 1475, MedGen C1852759, MONDO:0007352, OMIM 120330.
Focal segmental glomerulosclerosis 7 (FSGS7). Identifiers: Orphanet 656, MedGen C4014925, MONDO:0014451, OMIM 616002.

Submission:

University of Iowa Renal Genetics Clinic, University of Iowa
Classification: Likely pathogenic for Focal segmental glomerulosclerosis 7; Renal coloboma syndrome. Last evaluated: 2017-04-24. Review status: criteria provided, single submitter. Criteria: ACMG Guidelines, 2015. Collection method: clinical testing. Allele origin: germline. Inheritance: Autosomal dominant inheritance. Affected: yes. Observed: 2 hemizygotes. Clinical features observed: Multicystic kidney dysplasia (HP:0000003), Unilateral renal agenesis (HP:0000122).
Comment: The R140L variant was shown to segregate with disease in a family with congenital anomalies of the kidney and urinary tract (CAKUT) and focal segmental glomerulosclerosis (FSGS). This variant meets the following ACMG criteria: PM1, PM2, PP1, PP2, PP3.

NM_000278.5(PAX2):c.419G>T (p.Arg140Leu)

Gene: PAX2 (paired box 2; plus strand). Cytogenetic location: 10q24.31.
Variant type: single nucleotide variant.
Coding change: c.419G>T on transcript NM_000278.5 (MANE Select); coding-DNA position 419, G replaced by T.
Protein change: p.Arg140Leu; replaces arginine 140 with leucine.
Molecular consequence: missense variant.
Genome position (GRCh38, 1-based): chr10:100,779,506, G>T. VCF-style: chr10-100779506-G-T. GRCh37 (hg19) VCF-style: chr10-102539263-G-T.
Other names: c.512G>T, p.Arg171Leu (NM_001304569.2); c.419G>T, p.Arg140Leu (NM_003987.5, NM_003988.5, NM_003989.5 and 1 more transcripts); short protein forms R140L, R171L.
Identifiers: ClinVar variation 915266 (VCV000915266.2), dbSNP rs865906227, ClinGen allele CA378258256.